The following is an entry in ClinVar:

NM_020822.3(KCNT1):c.914T>C (p.Phe305Ser)

Gene: KCNT1 (potassium sodium-activated channel subfamily T member 1; plus strand). Cytogenetic location: 9q34.3.
Variant type: single nucleotide variant.
Coding change: c.914T>C on transcript NM_020822.3 (MANE Select); coding-DNA position 914, T replaced by C.
Protein change: p.Phe305Ser; replaces phenylalanine 305 with serine.
Molecular consequence: missense variant.
Genome position (GRCh38, 1-based): chr9:135,759,738, T>C. VCF-style: chr9-135759738-T-C. GRCh37 (hg19) VCF-style: chr9-138651584-T-C.
Other names: c.914T>C (NM_020822.2); c.779T>C, p.Phe260Ser (NM_001272003.2); short protein forms F260S, F305S.
Identifiers: ClinVar variation 2927000 (VCV002927000.4), dbSNP rs1197134262, ClinGen allele CA375498475.
Genomic context (GRCh38, chr9:135,759,738, plus strand): 5'-GGACCTGCGGCATCCAGCACCTGGAGCGGGCGGGCGAGAACCTGTCCCTCCTGACCTCCT[T>C]CTACTTCTGCATCGTCACCTTCTCCACCGTGGGCTACGGTGACGTCACGCCCAAGATCTG-3'
Protein context (NP_065873.2, residues 295-315): AGENLSLLTS[Phe305Ser]YFCIVTFSTV

ClinVar aggregate classification (germline): Uncertain significance. Review status: criteria provided, multiple submitters, no conflicts (2 of 4 stars). 2 submissions from 2 submitters: Uncertain significance (2). Last evaluated 2024-05-02.

Conditions:
Inborn genetic diseases. Identifiers: MedGen C0950123, MeSH D030342.
Autosomal dominant nocturnal frontal lobe epilepsy 5. Also called: KCNT1-Related Epilepsy; CILIARY DYSKINESIA, PRIMARY, 28, WITH SITUS INVERSUS; CILIARY DYSKINESIA, PRIMARY, 28, WITHOUT SITUS INVERSUS; Epilepsy, nocturnal frontal lobe, 5. Identifiers: Orphanet 98784, MedGen C3554306, MONDO:0014002, OMIM 615005.
Developmental and epileptic encephalopathy, 14 (DEE14). Also called: Early infantile epileptic encephalopathy 14. Identifiers: Orphanet 293181, MedGen C3554195, MONDO:0013989, OMIM 614959.

Allele frequency attached by ClinVar (database versions not stated): TOPMed below 0.00001; gnomAD 0.00001; gnomAD exomes 0.00001.
gnomAD v4.1: 17 of 1,613,400 alleles (0.0011%); highest among the groups gnomAD compares: Non-Finnish European, 0.0014%; no homozygotes.

Submissions (2):

Ambry Genetics
Classification: Uncertain significance for Inborn genetic diseases. Last evaluated: 2024-05-02. Review status: criteria provided, single submitter. Criteria: Ambry Variant Classification Scheme 2023. Collection method: clinical testing. Allele origin: germline.

Labcorp Genetics (formerly Invitae), Labcorp
Classification: Uncertain significance for Autosomal dominant nocturnal frontal lobe epilepsy 5; Developmental and epileptic encephalopathy, 14. Last evaluated: 2023-01-09. Review status: criteria provided, single submitter. Criteria: Invitae Variant Classification Sherloc (09022015). Collection method: clinical testing. Allele origin: germline.
Comment: Advanced modeling of protein sequence and biophysical properties (such as structural, functional, and spatial information, amino acid conservation, physicochemical variation, residue mobility, and thermodynamic stability) performed at Invitae indicates that this missense variant is not expected to disrupt KCNT1 protein function. This variant has not been reported in the literature in individuals affected with KCNT1-related conditions. This variant is present in population databases (no rsID available, gnomAD 0.003%). This sequence change replaces phenylalanine, which is neutral and non-polar, with serine, which is neutral and polar, at codon 305 of the KCNT1 protein (p.Phe305Ser). In summary, the available evidence is currently insufficient to determine the role of this variant in disease. Therefore, it has been classified as a Variant of Uncertain Significance.